The following is an entry in ClinVar:

ClinVar aggregate classification (germline): Uncertain significance (1 of 4 stars; one submission).

Conditions:
Combined malonic and methylmalonic acidemia. Identifiers: Orphanet 289504, MedGen C3280314, MONDO:0013661, OMIM 614265.

Allele frequency attached by ClinVar (database versions not stated): TOPMed below 0.00001.
gnomAD v4.1: 1 of 1,613,888 alleles (0.000062%); highest among the groups gnomAD compares: Non-Finnish European, 0.000085%; no homozygotes.

Submission:

Labcorp Genetics (formerly Invitae), Labcorp
Classification: Uncertain significance for Combined malonic and methylmalonic acidemia. Last evaluated: 2025-12-08. Review status: criteria provided, single submitter. Criteria: Invitae Variant Classification Sherloc (09022015). Collection method: clinical testing. Allele origin: germline.
Comment: This sequence change replaces glutamic acid, which is acidic and polar, with aspartic acid, which is acidic and polar, at codon 81 of the ACSF3 protein (p.Glu81Asp). This variant is not present in population databases (gnomAD no frequency). This variant has not been reported in the literature in individuals affected with ACSF3-related conditions. ClinVar contains an entry for this variant (Variation ID: 2918202). Invitae Evidence Modeling of protein sequence and biophysical properties (such as structural, functional, and spatial information, amino acid conservation, physicochemical variation, residue mobility, and thermodynamic stability) indicates that this missense variant is not expected to disrupt ACSF3 protein function with a negative predictive value of 80%. In summary, the available evidence is currently insufficient to determine the role of this variant in disease. Therefore, it has been classified as a Variant of Uncertain Significance.

NM_001243279.3(ACSF3):c.243G>C (p.Glu81Asp)

Gene: ACSF3 (acyl-CoA synthetase family member 3; plus strand). Cytogenetic location: 16q24.3.
Variant type: single nucleotide variant.
Coding change: c.243G>C on transcript NM_001243279.3 (MANE Select); coding-DNA position 243, G replaced by C.
Protein change: p.Glu81Asp; replaces glutamic acid 81 with aspartic acid.
Molecular consequence: missense variant. On other transcripts: non-coding transcript variant (3), intron variant (1).
Genome position (GRCh38, 1-based): chr16:89,100,924, G>C. VCF-style: chr16-89100924-G-C. GRCh37 (hg19) VCF-style: chr16-89167332-G-C.
Other names: c.243G>C, p.Glu81Asp (NM_001127214.4, NM_174917.5); c.-129-1680G>C (NM_001284316.2); short protein forms E81D.
Identifiers: ClinVar variation 2918202 (VCV002918202.3), dbSNP rs1436170905, ClinGen allele CA397133700.